The following is an entry in ClinVar:

NM_003722.5(TP63):c.*1464G>T

Gene: TP63 (tumor protein p63; plus strand). Cytogenetic location: 3q28.
Variant type: single nucleotide variant.
Coding change: c.*1464G>T on transcript NM_003722.5 (MANE Select); 1464 bases downstream of the stop codon, G replaced by T.
Molecular consequence: 3 prime UTR variant.
Genome position (GRCh38, 1-based): chr3:189,895,966, G>T. VCF-style: chr3-189895966-G-T. GRCh37 (hg19) VCF-style: chr3-189613755-G-T.
Other names: c.*1745G>T (NM_001114978.2, NM_001114981.2); c.*1464G>T (NM_001114980.2, NM_001329146.2, NM_001329148.2 and 1 more transcripts); c.*1735G>T (NM_001329144.2, NM_001329145.2, NM_001329149.2 and 1 more transcripts).
Identifiers: ClinVar variation 344412 (VCV000344412.6), dbSNP rs571277874, ClinGen allele CA10618239.
Genomic context (GRCh38, chr3:189,895,966, plus strand): 5'-TAACTGTGAGAACCCAGTTTCCCGTCCATCTCCCTTAGGGACTACCCATAGACATGAAAG[G>T]TCCCCACAGAGCAAGAGATAAGTCTTTCATGGCTGCTGTTGCTTAAACCACTTAAACGAA-3'

ClinVar aggregate classification (germline): Benign/Likely benign. Review status: criteria provided, single submitter (1 of 4 stars). 3 submissions from 1 submitter: Benign (2); Likely benign (1). Last evaluated 2018-01-13.

Conditions:
Orofacial cleft 8. Also called: Cleft lip with or without cleft palate, nonsyndromic, 8. Identifiers: MedGen C1851878, MONDO:0029145, OMIM 618149.
TP63-Related Spectrum Disorders.
Ectrodactyly, ectodermal dysplasia, and cleft lip-palate syndrome 3. Also called: Ectrodactyly, Ectodermal Dysplasia, Clefting Syndrome; EEC SYNDROME 3; Ectrodactyly, Ectodermal Dysplasia, Clefting Syndrome Type 3 (EEC3); Ectrodactyly, Ectodermal Dysplasia, Cleft Lip/Palate Syndrome 3 (EEC3). Identifiers: Orphanet 1896, MedGen C1858562, MONDO:0011428, OMIM 604292.

Allele frequency attached by ClinVar (database versions not stated): TOPMed 0.00001; gnomAD 0.00003; 1000 Genomes Project 30x 0.00187; 1000 Genomes Project 0.00220.
gnomAD v4.1: 29 of 229,550 alleles (0.013%); highest among the groups gnomAD compares: South Asian, 0.49%; no homozygotes.

Submissions (3):

Illumina Laboratory Services, Illumina
Classification: Benign for TP63-Related Spectrum Disorders. Last evaluated: 2018-01-13. Review status: criteria provided, single submitter. Criteria: ICSL Variant Classification Criteria 13 December 2019. Collection method: clinical testing. Allele origin: germline.
Comment: This variant was observed in the ICSL laboratory as part of a predisposition screen in an ostensibly healthy population. It had not been previously curated by ICSL or reported in the Human Gene Mutation Database (HGMD: prior to June 1st, 2018), and was therefore a candidate for classification through an automated scoring system. Utilizing variant allele frequency, disease prevalence and penetrance estimates, and inheritance mode, an automated score was calculated to assess if this variant is too frequent to cause the disease. Based on the score and internal cut-off values, a variant classified as benign is not then subjected to further curation. The score for this variant resulted in a classification of benign for this disease.

Illumina Laboratory Services, Illumina
Classification: Likely benign for Orofacial cleft 8. Last evaluated: 2018-01-13. Review status: criteria provided, single submitter. Criteria: ICSL Variant Classification Criteria 13 December 2019. Collection method: clinical testing. Allele origin: germline.
Comment: This variant was observed in the ICSL laboratory as part of a predisposition screen in an ostensibly healthy population. It had not been previously curated by ICSL or reported in the Human Gene Mutation Database (HGMD: prior to June 1st, 2018), and was therefore a candidate for classification through an automated scoring system. Utilizing variant allele frequency, disease prevalence and penetrance estimates, and inheritance mode, an automated score was calculated to assess if this variant is too frequent to cause the disease. Based on the score and internal cut-off values, a variant classified as likely benign is not then subjected to further curation. The score for this variant resulted in a classification of likely benign for this disease.

Illumina Laboratory Services, Illumina
Classification: Benign for Ectrodactyly, ectodermal dysplasia, and cleft lip-palate syndrome 3. Last evaluated: 2018-01-13. Review status: criteria provided, single submitter. Criteria: ICSL Variant Classification Criteria 13 December 2019. Collection method: clinical testing. Allele origin: germline.
Comment: the same text as in the submission from Illumina Laboratory Services, Illumina above.